The following is an entry in ClinVar:

ClinVar aggregate classification (germline): Pathogenic (1 of 4 stars; one submission).

Submission:

Labcorp Genetics (formerly Invitae), Labcorp
Classification: Pathogenic. Last evaluated: 2023-04-26. Review status: criteria provided, single submitter. Criteria: Invitae Variant Classification Sherloc (09022015). Collection method: clinical testing. Allele origin: germline.
Comment: This variant is not present in population databases (gnomAD no frequency). For these reasons, this variant has been classified as Pathogenic. Advanced modeling of protein sequence and biophysical properties (such as structural, functional, and spatial information, amino acid conservation, physicochemical variation, residue mobility, and thermodynamic stability) performed at Invitae indicates that this missense variant is expected to disrupt GNB2 protein function. This missense change has been observed in individual(s) with clinical features of GNB2-related intellectual disability syndrome (Invitae). In at least one individual the variant was observed to be de novo. This sequence change replaces asparagine, which is neutral and polar, with lysine, which is basic and polar, at codon 119 of the GNB2 protein (p.Asn119Lys).

NM_005273.4(GNB2):c.357C>A (p.Asn119Lys)

Gene: GNB2 (G protein subunit beta 2; plus strand). Cytogenetic location: 7q22.1.
Variant type: single nucleotide variant.
Coding change: c.357C>A on transcript NM_005273.4 (MANE Select); coding-DNA position 357, C replaced by A.
Protein change: p.Asn119Lys; replaces asparagine 119 with lysine.
Molecular consequence: missense variant.
Genome position (GRCh38, 1-based): chr7:100,677,587, C>A. VCF-style: chr7-100677587-C-A. GRCh37 (hg19) VCF-style: chr7-100275210-C-A.
Other names: short protein forms N119K.
Identifiers: ClinVar variation 2859535 (VCV002859535.3), dbSNP rs777997121, ClinGen allele CA368515681.